The following is an entry in ClinVar:

ClinVar aggregate classification (germline): Uncertain significance (1 of 4 stars; one submission).

Conditions:
Cardiovascular phenotype. Identifiers: MedGen CN230736.

Submission:

Ambry Genetics
Classification: Uncertain significance for Cardiovascular phenotype. Last evaluated: 2026-04-23. Review status: criteria provided, single submitter. Criteria: Ambry Variant Classification Scheme 2023. Collection method: clinical testing. Allele origin: germline.
Comment: The p.E196V variant (also known as c.587A>T), located in coding exon 5 of the SOS2 gene, results from an A to T substitution at nucleotide position 587. The glutamic acid at codon 196 is replaced by valine, an amino acid with dissimilar properties. This amino acid position is conserved. In addition, the in silico prediction for this alteration is inconclusive. Based on the available evidence, the clinical significance of this variant remains unclear.

NM_006939.4(SOS2):c.587A>T (p.Glu196Val)

Gene: SOS2 (SOS Ras/Rho guanine nucleotide exchange factor 2; minus strand). Cytogenetic location: 14q21.3.
Variant type: single nucleotide variant.
Coding change: c.587A>T on transcript NM_006939.4 (MANE Select); coding-DNA position 587, A replaced by T.
Protein change: p.Glu196Val; replaces glutamic acid 196 with valine.
Molecular consequence: missense variant.
Genome position (GRCh38, 1-based): chr14:50,188,624, T>A on the plus strand (A>T on the coding strand, the complement: SOS2 is on the minus strand). VCF-style: chr14-50188624-T-A. GRCh37 (hg19) VCF-style: chr14-50655342-T-A.
Other names: c.587A>T, p.Glu196Val (NM_001411020.1); short protein forms E196V.
Identifiers: ClinVar variation 4864943 (VCV004864943.1).